The following is an entry in ClinVar:

ClinVar aggregate classification (germline): Uncertain significance (1 of 4 stars; one submission).

Conditions:
Hereditary cancer-predisposing syndrome. Also called: Neoplastic Syndromes, Hereditary; Tumor predisposition; Hereditary neoplastic syndrome; Hereditary Cancer Syndrome. Identifiers: Orphanet 140162, MedGen C0027672, MeSH D009386, MONDO:0015356.

Submission:

Ambry Genetics
Classification: Uncertain significance for Hereditary cancer-predisposing syndrome. Last evaluated: 2026-07-07. Review status: criteria provided, single submitter. Criteria: Ambry Variant Classification Scheme 2023. Collection method: clinical testing. Allele origin: germline.
Comment: The p.D48Y variant (also known as c.142G>T), located in coding exon 3 of the MAX gene, results from a G to T substitution at nucleotide position 142. The aspartic acid at codon 48 is replaced by tyrosine, an amino acid with highly dissimilar properties. This amino acid position is conserved. In addition, this alteration is predicted to be deleterious by in silico analysis. Based on the available evidence, the clinical significance of this variant remains unclear.

NM_002382.5(MAX):c.142G>T (p.Asp48Tyr)

Genes: MAX (MYC associated transcriptional regulator X; minus strand), MAX-AS1 (MAX antisense RNA 1; plus strand). Cytogenetic location: 14q23.3.
Variant type: single nucleotide variant.
Coding change: c.142G>T on transcript NM_002382.5 (MANE Select); coding-DNA position 142, G replaced by T.
Protein change: p.Asp48Tyr; replaces aspartic acid 48 with tyrosine.
Molecular consequence: missense variant. On other transcripts: non-coding transcript variant (12), 5 prime UTR variant (6), synonymous variant (1), intron variant (1).
Genome position (GRCh38, 1-based): chr14:65,093,737, C>A on the plus strand (G>T on the coding strand, the complement: MAX is on the minus strand). VCF-style: chr14-65093737-C-A. GRCh37 (hg19) VCF-style: chr14-65560455-C-A.
Other names: c.115G>T, p.Asp39Tyr (NM_001271068.2, NM_001271069.2, NM_001407108.1 and 9 more transcripts); c.-133G>T (NM_001320415.2, NM_001407105.1, NM_001407106.1 and 1 more transcripts); c.-226G>T (NM_001407111.1, NM_001407112.1); c.165G>T, p.Gly55= (NM_001407114.1); c.63+7809G>T (NM_001407098.1); c.142G>T, p.Asp48Tyr (NM_001407094.1, NM_001407096.1, NM_001407097.1 and 5 more transcripts); short protein forms D48Y, D39Y.
Identifiers: ClinVar variation 5023938 (VCV005023938.1).
Genomic context (GRCh38, chr14:65,093,737, plus strand): 5'-GCCAGCTACTCAGCTTTCTCAGGAAACTCACCTTCTCTCCTTGGAGTGATGGGACTGAGT[C>A]CCGCAAACTGTGAAAGCTGTCTTTGATGTGGTCCCTACGTTTTCGTTCCAGTGCATTATG-3'
Protein context (NP_002373.3, residues 38-58): HIKDSFHSLR[Asp48Tyr]SVPSLQGEKA